The following is an entry in ClinVar:

ClinVar aggregate classification (germline): Uncertain significance (1 of 4 stars; one submission).

Allele frequency attached by ClinVar (database versions not stated): gnomAD exomes below 0.00001.
gnomAD v4.1: 4 of 1,227,636 alleles (0.00033%); highest among the groups gnomAD compares: Non-Finnish European, 0.00041%; no homozygotes.

Submission:

Labcorp Genetics (formerly Invitae), Labcorp
Classification: Uncertain significance. Last evaluated: 2023-03-04. Review status: criteria provided, single submitter. Criteria: Invitae Variant Classification Sherloc (09022015). Collection method: clinical testing. Allele origin: germline.
Comment: In summary, the available evidence is currently insufficient to determine the role of this variant in disease. Therefore, it has been classified as a Variant of Uncertain Significance. Variants that disrupt the consensus splice site are a relatively common cause of aberrant splicing (PMID: 17576681, 9536098). Algorithms developed to predict the effect of sequence changes on RNA splicing suggest that this variant is not likely to affect RNA splicing. This variant has not been reported in the literature in individuals affected with FBXO11-related conditions. This variant is not present in population databases (gnomAD no frequency). This sequence change falls in intron 1 of the FBXO11 gene. It does not directly change the encoded amino acid sequence of the FBXO11 protein. It affects a nucleotide within the consensus splice site.

Literature cited by the submitters: PubMed 17576681; PubMed 9536098.

NM_001190274.2(FBXO11):c.232+3A>G

Gene: FBXO11 (F-box protein 11; minus strand). Cytogenetic location: 2p16.3.
Variant type: single nucleotide variant.
Coding change: c.232+3A>G on transcript NM_001190274.2 (MANE Select); 3 bases into the intron after coding-DNA position 232, A replaced by G.
Molecular consequence: intron variant.
Genome position (GRCh38, 1-based): chr2:47,905,486, T>C on the plus strand (A>G on the coding strand, the complement: FBXO11 is on the minus strand). VCF-style: chr2-47905486-T-C. GRCh37 (hg19) VCF-style: chr2-48132625-T-C.
Identifiers: ClinVar variation 2876364 (VCV002876364.3), dbSNP rs2528150626, ClinGen allele CA2658974914.